The following is an entry in ClinVar:

NM_001080449.3(DNA2):c.752G>A (p.Cys251Tyr)

Gene: DNA2 (DNA replication helicase/nuclease 2; minus strand). Cytogenetic location: 10q21.3.
Variant type: single nucleotide variant.
Coding change: c.752G>A on transcript NM_001080449.3 (MANE Select); coding-DNA position 752, G replaced by A.
Protein change: p.Cys251Tyr; replaces cysteine 251 with tyrosine.
Molecular consequence: missense variant. On other transcripts: non-coding transcript variant (1).
Genome position (GRCh38, 1-based): chr10:68,450,215, C>T on the plus strand (G>A on the coding strand, the complement: DNA2 is on the minus strand). VCF-style: chr10-68450215-C-T. GRCh37 (hg19) VCF-style: chr10-70209972-C-T.
Other names: c.752G>A (NM_001080449.2); short protein forms C251Y.
Identifiers: ClinVar variation 1379663 (VCV001379663.7), dbSNP rs190693225, ClinGen allele CA5525214.

ClinVar aggregate classification (germline): Uncertain significance. Review status: criteria provided, multiple submitters, no conflicts (2 of 4 stars). 2 submissions from 2 submitters: Uncertain significance (2). Last evaluated 2025-11-10.

Conditions:
Inborn genetic diseases. Identifiers: MedGen C0950123, MeSH D030342.

Allele frequency attached by ClinVar (database versions not stated): gnomAD exomes 0.00001 and 0.00002; ExAC 0.00002; ESP Exome Variant Server 0.00008; TOPMed 0.00008; gnomAD 0.00009; 1000 Genomes Project 0.00020; 1000 Genomes Project 30x 0.00031.
gnomAD v4.1: 31 of 1,586,038 alleles (0.002%); highest among the groups gnomAD compares: African/African-American, 0.035%; no homozygotes.

Submissions (2):

Labcorp Genetics (formerly Invitae), Labcorp
Classification: Uncertain significance. Last evaluated: 2025-11-10. Review status: criteria provided, single submitter. Criteria: Invitae Variant Classification Sherloc (09022015). Collection method: clinical testing. Allele origin: germline.
Comment: This sequence change replaces cysteine, which is neutral and slightly polar, with tyrosine, which is neutral and polar, at codon 251 of the DNA2 protein (p.Cys251Tyr). This variant is present in population databases (rs190693225, gnomAD 0.03%). This variant has not been reported in the literature in individuals affected with DNA2-related conditions. ClinVar contains an entry for this variant (Variation ID: 1379663). Invitae Evidence Modeling of protein sequence and biophysical properties (such as structural, functional, and spatial information, amino acid conservation, physicochemical variation, residue mobility, and thermodynamic stability) indicates that this missense variant is not expected to disrupt DNA2 protein function with a negative predictive value of 80%. In summary, the available evidence is currently insufficient to determine the role of this variant in disease. Therefore, it has been classified as a Variant of Uncertain Significance.

Ambry Genetics
Classification: Uncertain significance for Inborn genetic diseases. Last evaluated: 2025-02-28. Review status: criteria provided, single submitter. Criteria: Ambry Variant Classification Scheme 2023. Collection method: clinical testing. Allele origin: germline.